The following is an entry in ClinVar:

NM_002661.5(PLCG2):c.1231G>T (p.Val411Leu)

Gene: PLCG2 (phospholipase C gamma 2; plus strand). Cytogenetic location: 16q23.3.
Variant type: single nucleotide variant.
Coding change: c.1231G>T on transcript NM_002661.5 (MANE Select); coding-DNA position 1231, G replaced by T.
Protein change: p.Val411Leu; replaces valine 411 with leucine.
Molecular consequence: missense variant.
Genome position (GRCh38, 1-based): chr16:81,900,649, G>T. VCF-style: chr16-81900649-G-T. GRCh37 (hg19) VCF-style: chr16-81934254-G-T.
Other names: c.1231G>T, p.Val411Leu (NM_001425749.1, NM_001425750.1, NM_001425751.1); short protein forms V411L.
Identifiers: ClinVar variation 3702259 (VCV003702259.2).

ClinVar aggregate classification (germline): Uncertain significance (1 of 4 stars; one submission).

Conditions:
Familial cold autoinflammatory syndrome 3 (FCAS3). Also called: FAMILIAL ATYPICAL COLD URTICARIA; ANTIBODY DEFICIENCY AND IMMUNE DYSREGULATION, PLCG2-ASSOCIATED. Identifiers: Orphanet 300359, MedGen C3280914, MONDO:0013766, OMIM 614468.

gnomAD v4.1: 14 of 1,611,384 alleles (0.00087%); highest among the groups gnomAD compares: African/African-American, 0.0053%; no homozygotes.

Submission:

Labcorp Genetics (formerly Invitae), Labcorp
Classification: Uncertain significance for Familial cold autoinflammatory syndrome 3. Last evaluated: 2024-12-31. Review status: criteria provided, single submitter. Criteria: Invitae Variant Classification Sherloc (09022015). Collection method: clinical testing. Allele origin: germline.
Comment: This sequence change replaces valine, which is neutral and non-polar, with leucine, which is neutral and non-polar, at codon 411 of the PLCG2 protein (p.Val411Leu). This variant is present in population databases (no rsID available, gnomAD 0.06%). This variant has not been reported in the literature in individuals affected with PLCG2-related conditions. An algorithm developed to predict the effect of missense changes on protein structure and function (PolyPhen-2) suggests that this variant is likely to be tolerated. In summary, the available evidence is currently insufficient to determine the role of this variant in disease. Therefore, it has been classified as a Variant of Uncertain Significance.